The following is an entry in ClinVar:

ClinVar aggregate classification (germline): Pathogenic. Review status: reviewed by expert panel (3 of 4 stars). 15 submissions from 15 submitters: Pathogenic (1). 14 of the submissions do not count toward it. Last evaluated 2016-09-08.

Conditions:
Hereditary cancer-predisposing syndrome. Also called: Hereditary neoplastic syndrome; Hereditary Cancer Syndrome; Tumor predisposition; Neoplastic Syndromes, Hereditary. Identifiers: Orphanet 140162, MedGen C0027672, MeSH D009386, MONDO:0015356.
Glioma susceptibility 3 (GLM3). Also called: Glioblastoma 3. Identifiers: Orphanet 182067, Orphanet 360, MedGen C2751641, MONDO:0013093, OMIM 613029.
Prostate cancer. Also called: Malignant tumor of prostate. Identifiers: Orphanet 1331, MedGen C0376358, MONDO:0008315, HP:0012125.
Breast-ovarian cancer, familial, susceptibility to, 2 (BROVCA2). Also called: BRCA2 Hereditary Breast and Ovarian Cancer. Identifiers: Orphanet 145, MedGen C2675520, MONDO:0012933, OMIM 612555. Disease mechanism: loss of function.
Wilms tumor 1 (WT1). Also called: Wilms tumor, somatic. Identifiers: Orphanet 654, MedGen CN033288, MONDO:0008679, OMIM 194070.
Medulloblastoma (MDB). Also called: MEDULLOBLASTOMA PREDISPOSITION SYNDROME; Medulloblastoma, somatic. Identifiers: Orphanet 616, MedGen C0025149, MeSH D008527, MONDO:0007959, OMIM 155255, HP:0002885.
Fanconi anemia complementation group D1. Also called: BRCA2-Related Fanconi Anemia. Identifiers: Orphanet 319462, MedGen C1838457, MONDO:0011584, OMIM 605724.
Familial cancer of breast. Also called: Hereditary breast cancer; hereditary breast carcinoma; BREAST CANCER, FAMILIAL. Identifiers: Orphanet 227535, MedGen C0346153, MONDO:0016419, OMIM 114480. Disease mechanism: loss of function.
Pancreatic cancer, susceptibility to, 2. Identifiers: Orphanet 1333, MedGen C3150546, MONDO:0013235, OMIM 613347.
Hereditary breast ovarian cancer syndrome. Also called: Breast and ovarian cancer; Hereditary breast and/or ovarian cancer syndrome; Hereditary breast and ovarian cancer; Hereditary breast and ovarian cancer syndrome; BRCA1- and BRCA2-Associated Hereditary Breast and Ovarian Cancer; Hereditary breast and ovarian cancer syndrome (HBOC). Identifiers: Orphanet 145, MedGen C0677776, MeSH D061325, MONDO:0003582. Disease mechanism: loss of function.

Submissions 1 to 7 of 15:

Evidence-based Network for the Interpretation of Germline Mutant Alleles (ENIGMA)
Classification: Pathogenic for Breast-ovarian cancer, familial, susceptibility to, 2. Last evaluated: 2016-09-08. Review status: reviewed by expert panel. Criteria: ENIGMA BRCA1/2 Classification Criteria (2015). Collection method: curation. Allele origin: germline.
Comment: Variant allele predicted to encode a truncated non-functional protein.

Labcorp Genetics (formerly Invitae), Labcorp
Classification: Pathogenic for Hereditary breast ovarian cancer syndrome. Last evaluated: 2026-01-28. Review status: criteria provided, single submitter. Criteria: Invitae Variant Classification Sherloc (09022015). Collection method: clinical testing. Allele origin: germline. Not counted in ClinVar's aggregate classification.
Comment: This sequence change creates a premature translational stop signal (p.Gln2893*) in the BRCA2 gene. It is expected to result in an absent or disrupted protein product. Loss-of-function variants in BRCA2 are known to be pathogenic (PMID: 20104584). This variant is not present in population databases (gnomAD no frequency). This premature translational stop signal has been observed in individual(s) with breast cancer (PMID: 9609997, 26187060). ClinVar contains an entry for this variant (Variation ID: 38177). For these reasons, this variant has been classified as Pathogenic.

ARUP Laboratories, Molecular Genetics and Genomics, ARUP Laboratories
Classification: Pathogenic. Last evaluated: 2025-06-03. Review status: criteria provided, single submitter. Criteria: ARUP Molecular Germline Variant Investigation Process 2024. Collection method: clinical testing. Allele origin: germline. Not counted in ClinVar's aggregate classification.
Comment: The BRCA2 c.8677C>T; p.Gln2893Ter variant (rs397507409, ClinVar Variation ID: 38177), is reported in the literature in individuals affected with breast or pancreatic or prostate cancer (Katagiri 1998, Majidzadeh 2022, Patel 2020, Rebbeck 2018). This variant is absent from the Genome Aggregation Database (v2.1.1), indicating it is not a common polymorphism. This variant induces an early termination codon and is predicted to result in a truncated protein or mRNA subject to nonsense-mediated decay. Based on available information, this variant is considered to be pathogenic. References: Katagiri T et al. High proportion of missense mutations of the BRCA1 and BRCA2 genes in Japanese breast cancer families. J Hum Genet. 1998 PMID: 9609997 Majidzadeh AK et al. A comprehensive reference for BRCA1/2 genes pathogenic variants in Iran: published, unpublished and novel. Fam Cancer. 2022 Apr. PMID: 33754277 Patel VL et al. Association of Genomic Domains in BRCA1 and BRCA2 with Prostate Cancer Risk and Aggressiveness. Cancer Res. 2020 Feb 1. PMID: 31723001 Rebbeck TR et al. Mutational spectrum in a worldwide study of 29,700 families with BRCA1 or BRCA2 mutations. Hum Mutat. 2018 May. PMID: 29446198

Ambry Genetics
Classification: Pathogenic for Hereditary cancer-predisposing syndrome. Last evaluated: 2025-05-29. Review status: criteria provided, single submitter. Criteria: Ambry Variant Classification Scheme 2023. Collection method: clinical testing. Allele origin: germline. Not counted in ClinVar's aggregate classification.
Comment: The p.Q2893* variant (also known as c.8677C>T), located in coding exon 20 of the BRCA2 gene, results from a C to T substitution at nucleotide position 8677. This changes the amino acid from a glutamine to a stop codon within coding exon 20. This mutation (designated as "Gln 2893 ter") was reported in a family from Japan with hereditary breast cancer (Katagiri T et al. J. Hum. Genet. 1998;43:42-8). This variant was also identified in a large, worldwide study of BRCA1/2 mutation positive families (Rebbeck TR et al. Hum. Mutat. 2018 05;39:593-620). This variant is considered to be rare based on population cohorts in the Genome Aggregation Database (gnomAD). In addition to the clinical data presented in the literature, this alteration is expected to result in loss of function by premature protein truncation or nonsense-mediated mRNA decay. As such, this alteration is interpreted as a disease-causing mutation.

Quest Diagnostics Nichols Institute San Juan Capistrano
Classification: Pathogenic. Last evaluated: 2024-10-14. Review status: criteria provided, single submitter. Criteria: Quest Diagnostics criteria. Collection method: clinical testing. Allele origin: unknown. Not counted in ClinVar's aggregate classification.
Comment: The BRCA2 c.8677C>T (p.Gln2893*) variant causes the premature termination of BRCA2 protein synthesis. This variant has been reported in the published literature in individuals with breast cancer (PMID: 9609997 (1998), 26187060 (2015), 24249303 (2015), 33754277 (2022)) and pancreatic cancer (PMID: 32816949 (2020)). This variant has not been reported in large, multi-ethnic general populations (Genome Aggregation Database). Based on the available information, this variant is classified as pathogenic.

All of Us Research Program, National Institutes of Health
Classification: Pathogenic for Breast-ovarian cancer, familial, susceptibility to, 2. Last evaluated: 2023-12-06. Review status: criteria provided, single submitter. Criteria: ACMG Guidelines, 2015. Collection method: clinical testing. Allele origin: germline. Inheritance: Autosomal dominant inheritance. Observed: 1 variant allele, 1 heterozygote. Not counted in ClinVar's aggregate classification.
Comment: This variant changes 1 nucleotide in exon 21 of the BRCA2 gene, creating a premature translation stop signal. This variant is expected to result in an absent or non-functional protein product. This variant has been reported in 1 individual affected with pancreatic cancer and 1 individual affected with breast cancer (PMID: 27271530, 31469826, 32816949). This variant has been reported in at least 1 family with multiple individuals affected with breast cancer (PMID: 24249303, 19806429, 9609997) and has been identified in 3 families among the CIMBA participants (PMID: 29446198). This variant has not been identified in the general population by the Genome Aggregation Database (gnomAD). Loss of BRCA2 function is a known mechanism of disease. Based on the available evidence, this variant is classified as Pathogenic.

This study involves interpretation of variants in research participants for the purpose of population health screening. Participant phenotype was not available at the time of variant classification. Additional details can be found in publication PMID: 35346344, PMCID: PMC8962531

Color Diagnostics, LLC DBA Color Health
Classification: Pathogenic for Hereditary cancer-predisposing syndrome. Last evaluated: 2023-04-21. Review status: criteria provided, single submitter. Criteria: ACMG Guidelines, 2015. Collection method: clinical testing. Allele origin: germline. Not counted in ClinVar's aggregate classification.
Comment: This variant changes 1 nucleotide in exon 21 of the BRCA2 gene, creating a premature translation stop signal. This variant is expected to result in an absent or non-functional protein product. This variant has been reported in 1 individual affected with pancreatic cancer and 1 individual affected with breast cancer (PMID: 27271530, 31469826, 32816949). This variant has been reported in at least 1 family with multiple individuals affected with breast cancer (PMID: 24249303, 19806429, 9609997) and has been identified in 3 families among the CIMBA participants (PMID: 29446198). This variant has not been identified in the general population by the Genome Aggregation Database (gnomAD). Loss of BRCA2 function is a known mechanism of disease. Based on the available evidence, this variant is classified as Pathogenic.

NM_000059.4(BRCA2):c.8677C>T (p.Gln2893Ter)

Gene: BRCA2 (BRCA2 DNA repair associated; plus strand). Cytogenetic location: 13q13.1.
Variant type: single nucleotide variant.
Coding change: c.8677C>T on transcript NM_000059.4 (MANE Select); coding-DNA position 8677, C replaced by T.
Protein change: p.Gln2893Ter; replaces glutamine 2893 with a stop codon.
Molecular consequence: nonsense.
Genome position (GRCh38, 1-based): chr13:32,376,714, C>T. VCF-style: chr13-32376714-C-T. GRCh37 (hg19) VCF-style: chr13-32950851-C-T.
Other names: 8905C>T; short protein forms Q2893*.
Identifiers: ClinVar variation 38177 (VCV000038177.32), dbSNP rs397507409, ClinGen allele CA025776.